The following is an entry in ClinVar:

ClinVar aggregate classification (germline): Uncertain significance (1 of 4 stars; one submission).

Allele frequency attached by ClinVar (database versions not stated): TOPMed below 0.00001; gnomAD 0.00001.
gnomAD v4.1: 1 of 1,613,814 alleles (0.000062%); highest among the groups gnomAD compares: East Asian, 0.0022%; no homozygotes.

Submission:

Labcorp Genetics (formerly Invitae), Labcorp
Classification: Uncertain significance. Last evaluated: 2023-04-15. Review status: criteria provided, single submitter. Criteria: Invitae Variant Classification Sherloc (09022015). Collection method: clinical testing. Allele origin: germline.
Comment: In summary, the available evidence is currently insufficient to determine the role of this variant in disease. Therefore, it has been classified as a Variant of Uncertain Significance. An algorithm developed to predict the effect of missense changes on protein structure and function (PolyPhen-2) suggests that this variant is likely to be tolerated. This variant has not been reported in the literature in individuals affected with SYT2-related conditions. This variant is not present in population databases (gnomAD no frequency). This sequence change replaces phenylalanine, which is neutral and non-polar, with serine, which is neutral and polar, at codon 44 of the SYT2 protein (p.Phe44Ser).

NM_177402.5(SYT2):c.131T>C (p.Phe44Ser)

Gene: SYT2 (synaptotagmin 2; minus strand). Cytogenetic location: 1q32.1.
Variant type: single nucleotide variant.
Coding change: c.131T>C on transcript NM_177402.5 (MANE Select); coding-DNA position 131, T replaced by C.
Protein change: p.Phe44Ser; replaces phenylalanine 44 with serine.
Molecular consequence: missense variant.
Genome position (GRCh38, 1-based): chr1:202,605,642, A>G on the plus strand (T>C on the coding strand, the complement: SYT2 is on the minus strand). VCF-style: chr1-202605642-A-G. GRCh37 (hg19) VCF-style: chr1-202574770-A-G.
Other names: c.131T>C, p.Phe44Ser (NM_001136504.1); short protein forms F44S.
Identifiers: ClinVar variation 2856684 (VCV002856684.3), dbSNP rs1690677346, ClinGen allele CA344259664.